The following is an entry in ClinVar:

NM_017636.4(TRPM4):c.371G>A (p.Gly124Glu)

Gene: TRPM4 (transient receptor potential cation channel subfamily M member 4; plus strand). Cytogenetic location: 19q13.33.
Variant type: single nucleotide variant.
Coding change: c.371G>A on transcript NM_017636.4 (MANE Select); coding-DNA position 371, G replaced by A.
Protein change: p.Gly124Glu; replaces glycine 124 with glutamic acid.
Molecular consequence: missense variant. On other transcripts: intron variant (4).
Genome position (GRCh38, 1-based): chr19:49,168,020, G>A. VCF-style: chr19-49168020-G-A. GRCh37 (hg19) VCF-style: chr19-49671277-G-A.
Other names: c.371G>A, p.Gly124Glu (NM_001195227.2); c.-1105-240G>A (NM_001321282.2); c.268-533G>A (NM_001321281.2); c.-74-240G>A (NM_001321283.2); c.-237-533G>A (NM_001321285.2); short protein forms G124E.
Identifiers: ClinVar variation 2717032 (VCV002717032.3), dbSNP rs998729534, ClinGen allele CA406790336.

ClinVar aggregate classification (germline): Uncertain significance (1 of 4 stars; one submission).

Conditions:
Progressive familial heart block type IB (PFHB1B). Identifiers: Orphanet 871, MedGen C1970298, MONDO:0011474, OMIM 604559.

Allele frequency attached by ClinVar (database versions not stated): TOPMed below 0.00001.

Submission:

Labcorp Genetics (formerly Invitae), Labcorp
Classification: Uncertain significance for Progressive familial heart block type IB. Last evaluated: 2025-09-17. Review status: criteria provided, single submitter. Criteria: Invitae Variant Classification Sherloc (09022015). Collection method: clinical testing. Allele origin: germline.
Comment: This sequence change replaces glycine, which is neutral and non-polar, with glutamic acid, which is acidic and polar, at codon 124 of the TRPM4 protein (p.Gly124Glu). This variant is not present in population databases (gnomAD no frequency). This variant has not been reported in the literature in individuals affected with TRPM4-related conditions. ClinVar contains an entry for this variant (Variation ID: 2717032). An algorithm developed to predict the effect of missense changes on protein structure and function (PolyPhen-2) suggests that this variant is likely to be disruptive. In summary, the available evidence is currently insufficient to determine the role of this variant in disease. Therefore, it has been classified as a Variant of Uncertain Significance.